The following is an entry in ClinVar:

NC_000014.8:g.(?_45605225)_(45609922_?)dup

Genes: FANCM (FA complementation group M; plus strand), LOC130055524 (ATAC-STARR-seq lymphoblastoid active region 8299; plus strand). Cytogenetic location: 14q21.2.
Variant type: Duplication.
Identifiers: ClinVar variation 644272 (VCV000644272.6).

ClinVar aggregate classification (germline): Uncertain significance (1 of 4 stars; one submission).

Conditions:
Fanconi anemia (FA). Also called: Fanconi's anemia. Identifiers: Orphanet 84, MedGen C0015625, MeSH D005199, MONDO:0019391.

Submission:

Labcorp Genetics (formerly Invitae), Labcorp
Classification: Uncertain significance for Fanconi anemia. Last evaluated: 2018-12-23. Review status: criteria provided, single submitter. Criteria: Invitae Variant Classification Sherloc (09022015). Collection method: clinical testing. Allele origin: germline.
Comment: In summary, the available evidence is currently insufficient to determine the role of this variant in disease. Therefore, it has been classified as a Variant of Uncertain Significance. A copy number gain of exons 1-3 has not been reported in the literature in individuals with FANCM-related conditions. This variant results in a copy number gain of the genomic region encompassing exons 1-3 of the FANCM gene. The 5' end of this event is unknown as it extends beyond the assayed region for this gene and therefore may encompass additional genes. The 3' boundary is likely confined to intron 3 of the FANCM gene. As the precise location of this event is unknown, it may be in tandem or it may be located elsewhere in the genome.